The following is an entry in ClinVar:

ClinVar aggregate classification (germline): Likely benign (1 of 4 stars; one submission).

Submission:

CeGaT Center for Human Genetics Tuebingen
Classification: Likely benign. Last evaluated: 2022-11-01. Review status: criteria provided, single submitter. Criteria: CeGaT Center For Human Genetics Tuebingen Variant Classification Criteria Version 2. Collection method: clinical testing. Allele origin: germline. Affected: yes. Observed: 1 variant allele.
Comment: DGKH: BS2

NM_178009.5(DGKH):c.623-3_623-2insTTTTTTTTTTTTTTTTTTTT

Gene: DGKH (diacylglycerol kinase eta; plus strand). Cytogenetic location: 13q14.11.
Variant type: Insertion.
Coding change: c.623-3_623-2insTTTTTTTTTTTTTTTTTTTT on transcript NM_178009.5 (MANE Select); 3 bases into the intron before coding-DNA position 623 through the canonical splice acceptor site of the intron before coding-DNA position 623, TTTTTTTTTTTTTTTTTTTT inserted.
Molecular consequence: intron variant.
Genome position: GRCh38 VCF-style: chr13-42159244-C-CTTTTTTTTTTTTTTTTTTTT. GRCh37 (hg19) VCF-style: chr13-42733380-C-CTTTTTTTTTTTTTTTTTTTT.
Other names: c.623-3_623-2insTTTTTTTTTTTTTTTTTTTT (NM_001204504.3, NM_152910.6); c.215-3_215-2insTTTTTTTTTTTTTTTTTTTT (NM_001204505.3, NM_001204506.3); c.120+3464_120+3465insTTTTTTTTTTTTTTTTTTTT (NM_001297429.2).
Identifiers: ClinVar variation 2643783 (VCV002643783.24), dbSNP rs57531279, ClinGen allele CA955363887.